The following is an entry in ClinVar:

NM_001277115.2(DNAH11):c.11062-4A>G

Gene: DNAH11 (dynein axonemal heavy chain 11; plus strand). Cytogenetic location: 7p15.3.
Variant type: single nucleotide variant.
Coding change: c.11062-4A>G on transcript NM_001277115.2 (MANE Select); 4 bases into the intron before coding-DNA position 11062, A replaced by G.
Molecular consequence: intron variant.
Genome position (GRCh38, 1-based): chr7:21,854,311, A>G. VCF-style: chr7-21854311-A-G. GRCh37 (hg19) VCF-style: chr7-21893929-A-G.
Identifiers: ClinVar variation 1793670 (VCV001793670.5), dbSNP rs376085865, ClinGen allele CA4182609.

ClinVar aggregate classification (germline): Conflicting classifications of pathogenicity. Review status: criteria provided, conflicting classifications (1 of 4 stars). 2 submissions from 2 submitters: Uncertain significance (1); Likely benign (1). Last evaluated 2025-02-02.

Conditions:
Primary ciliary dyskinesia. Also called: Ciliary dyskinesia. Identifiers: Orphanet 244, MedGen C0008780, MONDO:0016575, HP:0012265.

Allele frequency attached by ClinVar (database versions not stated): ExAC 0.00001; gnomAD 0.00001; gnomAD exomes 0.00001; ESP Exome Variant Server 0.00017.
gnomAD v4.1: 17 of 1,613,492 alleles (0.0011%); highest among the groups gnomAD compares: Non-Finnish European, 0.0013%; no homozygotes.

Submissions (2):

Labcorp Genetics (formerly Invitae), Labcorp
Classification: Likely benign for Primary ciliary dyskinesia. Last evaluated: 2025-02-02. Review status: criteria provided, single submitter. Criteria: Invitae Variant Classification Sherloc (09022015). Collection method: clinical testing. Allele origin: germline.

Ambry Genetics
Classification: Uncertain significance for Primary ciliary dyskinesia. Last evaluated: 2018-07-12. Review status: criteria provided, single submitter. Criteria: Ambry Variant Classification Scheme 2023. Collection method: clinical testing. Allele origin: germline.
Comment: The c.11062-4A>G intronic variant results from an A to G substitution 4 nucleotides upstream from coding exon 68 in the DNAH11 gene. This nucleotide position is poorly conserved in available vertebrate species. Using the BDGP and ESEfinder splice site prediction tools, this alteration is not predicted to have any significant effect on this splice acceptor site; however, direct evidence is unavailable. Since supporting evidence is limited at this time, the clinical significance of this alteration remains unclear.